The following is an entry in ClinVar:

NM_014679.5(CEP57):c.1063G>A (p.Gly355Ser)

Gene: CEP57 (centrosomal protein 57; plus strand). Cytogenetic location: 11q21.
Variant type: single nucleotide variant.
Coding change: c.1063G>A on transcript NM_014679.5 (MANE Select); coding-DNA position 1063, G replaced by A.
Protein change: p.Gly355Ser; replaces glycine 355 with serine.
Molecular consequence: missense variant.
Genome position (GRCh38, 1-based): chr11:95,827,963, G>A. VCF-style: chr11-95827963-G-A. GRCh37 (hg19) VCF-style: chr11-95561127-G-A.
Other names: c.1036G>A, p.Gly346Ser (NM_001243776.2); c.985G>A, p.Gly329Ser (NM_001243777.2); c.982G>A, p.Gly328Ser (NM_001363604.2); short protein forms G355S, G329S, G328S, G346S.
Identifiers: ClinVar variation 934783 (VCV000934783.11), dbSNP rs202115720, ClinGen allele CA6239675.

ClinVar aggregate classification (germline): Conflicting classifications of pathogenicity. Review status: criteria provided, conflicting classifications (1 of 4 stars). 2 submissions from 2 submitters: Uncertain significance (1); Likely benign (1). Last evaluated 2024-12-16.

Conditions:
Inborn genetic diseases. Identifiers: MedGen C0950123, MeSH D030342.
Mosaic variegated aneuploidy syndrome 2 (MVA2). Identifiers: Orphanet 1052, MedGen C3279843, MONDO:0013582, OMIM 614114.

Allele frequency attached by ClinVar (database versions not stated): TOPMed 0.00002; 1000 Genomes Project 30x 0.00016; 1000 Genomes Project 0.00020.
gnomAD v4.1: 15 of 1,613,894 alleles (0.00093%); highest among the groups gnomAD compares: East Asian, 0.016%; no homozygotes.

Submissions (3):

Ambry Genetics
Classification: Likely benign for Inborn genetic diseases. Last evaluated: 2024-12-16. Review status: criteria provided, single submitter. Criteria: Ambry Variant Classification Scheme 2023. Collection method: clinical testing. Allele origin: germline.

Labcorp Genetics (formerly Invitae), Labcorp
Classification: Uncertain significance for Mosaic variegated aneuploidy syndrome 2. Last evaluated: 2023-05-08. Review status: criteria provided, single submitter. Criteria: Invitae Variant Classification Sherloc (09022015). Collection method: clinical testing. Allele origin: germline.
Comment: This sequence change replaces glycine, which is neutral and non-polar, with serine, which is neutral and polar, at codon 355 of the CEP57 protein (p.Gly355Ser). This variant is present in population databases (rs202115720, gnomAD 0.006%). This variant has not been reported in the literature in individuals affected with CEP57-related conditions. ClinVar contains an entry for this variant (Variation ID: 934783). Advanced modeling of protein sequence and biophysical properties (such as structural, functional, and spatial information, amino acid conservation, physicochemical variation, residue mobility, and thermodynamic stability) performed at Invitae indicates that this missense variant is not expected to disrupt CEP57 protein function. In summary, the available evidence is currently insufficient to determine the role of this variant in disease. Therefore, it has been classified as a Variant of Uncertain Significance.

Dr. Peter K. Rogan Lab, Western University
No classification provided (evidence only). Condition: Colon adenocarcinoma. Review status: no classification provided. Collection method: in vitro. Allele origin: not applicable. Functional consequence: skipped exon. Not counted in ClinVar's aggregate classification.